The following is an entry in ClinVar:

NM_000059.4(BRCA2):c.4510G>T (p.Val1504Leu)

Gene: BRCA2 (BRCA2 DNA repair associated; plus strand). Cytogenetic location: 13q13.1.
Variant type: single nucleotide variant.
Coding change: c.4510G>T on transcript NM_000059.4 (MANE Select); coding-DNA position 4510, G replaced by T.
Protein change: p.Val1504Leu; replaces valine 1504 with leucine.
Molecular consequence: missense variant.
Genome position (GRCh38, 1-based): chr13:32,338,865, G>T. VCF-style: chr13-32338865-G-T. GRCh37 (hg19) VCF-style: chr13-32913002-G-T.
Other names: short protein forms V1504L.
Identifiers: ClinVar variation 993207 (VCV000993207.6), dbSNP rs2072506082, ClinGen allele CA387781619.
Genomic context (GRCh38, chr13:32,338,865, plus strand): 5'-GACATAGTTAAACACAAAATACTGAAAGAAAGTGTCCCAGTTGGTACTGGAAATCAACTA[G>T]TGACCTTCCAGGGACAACCCGAACGTGATGAAAAGATCAAAGAACCTACTCTATTGGGTT-3'
Protein context (NP_000050.3, residues 1494-1514): SVPVGTGNQL[Val1504Leu]TFQGQPERDE

ClinVar aggregate classification (germline): Conflicting classifications of pathogenicity. Review status: criteria provided, conflicting classifications (1 of 4 stars). 4 submissions from 4 submitters: Uncertain significance (2); Likely benign (2). Last evaluated 2023-03-23.

Conditions:
Hereditary cancer-predisposing syndrome. Also called: Neoplastic Syndromes, Hereditary; Hereditary Cancer Syndrome; Tumor predisposition; Hereditary neoplastic syndrome. Identifiers: Orphanet 140162, MedGen C0027672, MeSH D009386, MONDO:0015356.
Hereditary breast ovarian cancer syndrome. Also called: Hereditary breast and ovarian cancer; Hereditary breast and ovarian cancer syndrome; Breast and ovarian cancer; BRCA1- and BRCA2-Associated Hereditary Breast and Ovarian Cancer; Hereditary breast and/or ovarian cancer syndrome; Hereditary breast and ovarian cancer syndrome (HBOC). Identifiers: Orphanet 145, MedGen C0677776, MeSH D061325, MONDO:0003582. Disease mechanism: loss of function.

Submissions (4):

University of Washington Department of Laboratory Medicine, University of Washington
Classification: Likely benign for Hereditary cancer-predisposing syndrome. Last evaluated: 2023-03-23. Review status: criteria provided, single submitter. Criteria: Dines et al. (Genet Med. 2020). Collection method: curation. Allele origin: germline.
Comment: Missense variant in a coldspot region where missense variants are very unlikely to be pathogenic (PMID:31911673).

BRCA2 exon 11 coldspot. Reclassification based on statistical prior probability.

Labcorp Genetics (formerly Invitae), Labcorp
Classification: Uncertain significance for Hereditary breast ovarian cancer syndrome. Last evaluated: 2022-10-05. Review status: criteria provided, single submitter. Criteria: Invitae Variant Classification Sherloc (09022015). Collection method: clinical testing. Allele origin: germline.
Comment: This sequence change replaces valine, which is neutral and non-polar, with leucine, which is neutral and non-polar, at codon 1504 of the BRCA2 protein (p.Val1504Leu). This variant is not present in population databases (gnomAD no frequency). This variant has not been reported in the literature in individuals affected with BRCA2-related conditions. ClinVar contains an entry for this variant (Variation ID: 993207). Advanced modeling of protein sequence and biophysical properties (such as structural, functional, and spatial information, amino acid conservation, physicochemical variation, residue mobility, and thermodynamic stability) performed at Invitae indicates that this missense variant is not expected to disrupt BRCA2 protein function. In summary, the available evidence is currently insufficient to determine the role of this variant in disease. Therefore, it has been classified as a Variant of Uncertain Significance.

Quest Diagnostics Nichols Institute San Juan Capistrano
Classification: Uncertain significance. Last evaluated: 2020-07-16. Review status: criteria provided, single submitter. Criteria: Quest Diagnostics criteria. Collection method: clinical testing. Allele origin: unknown.

Ambry Genetics
Classification: Likely benign for Hereditary cancer-predisposing syndrome. Last evaluated: 2020-06-13. Review status: criteria provided, single submitter. Criteria: Ambry Variant Classification Scheme 2023. Collection method: clinical testing. Allele origin: germline.